The following is an entry in ClinVar:

NM_000375.3(UROS):c.475+2C>T

Gene: UROS (uroporphyrinogen III synthase; minus strand). Cytogenetic location: 10q26.2.
Variant type: single nucleotide variant.
Coding change: c.475+2C>T on transcript NM_000375.3 (MANE Select); the canonical splice donor site of the intron after coding-DNA position 475, C replaced by T.
Molecular consequence: splice donor variant. On other transcripts: intron variant (2).
Genome position (GRCh38, 1-based): chr10:125,798,063, G>A on the plus strand (C>T on the coding strand, the complement: UROS is on the minus strand). VCF-style: chr10-125798063-G-A. GRCh37 (hg19) VCF-style: chr10-127486632-G-A.
Other names: c.395-1875C>T (NM_001324038.2, NM_001324037.2); c.475+2C>T (NM_001324036.2).
Identifiers: ClinVar variation 5007660 (VCV005007660.2).

ClinVar aggregate classification (germline): Uncertain significance (1 of 4 stars; one submission).

Conditions:
Congenital erythropoietic porphyria. Also called: GUNTHER DISEASE; UROS DEFICIENCY; Porphyria, Erythropoietic; Congenital porphyria; Günther disease; Uroporphyrinogen III synthase, deficiency of. Identifiers: Orphanet 79277, MedGen C5886774, MONDO:0009902, OMIM 263700.

gnomAD v4.1: 25 of 1,613,874 alleles (0.0015%); highest among the groups gnomAD compares: Middle Eastern, 0.017%; no homozygotes.

Submission:

Juno Genomics, Hangzhou Juno Genomics, Inc
Classification: Uncertain significance for Congenital erythropoietic porphyria. Review status: criteria provided, single submitter. Criteria: ACMG Guidelines, 2015. Collection method: clinical testing. Allele origin: germline.
Comment: Null variant in a gene where loss of function (LOF) is a known mechanism of disease.;Absent from controls (or at extremely low frequency if recessive) in Genome Aggregation Database.